The following is an entry in ClinVar:

ClinVar aggregate classification (germline): Uncertain significance (1 of 4 stars; one submission).

Conditions:
Hereditary cancer-predisposing syndrome. Also called: Neoplastic Syndromes, Hereditary; Tumor predisposition; Hereditary Cancer Syndrome; Hereditary neoplastic syndrome. Identifiers: Orphanet 140162, MedGen C0027672, MeSH D009386, MONDO:0015356.

Submission:

Ambry Genetics
Classification: Uncertain significance for Hereditary cancer-predisposing syndrome. Last evaluated: 2020-10-25. Review status: criteria provided, single submitter. Criteria: Ambry Variant Classification Scheme 2023. Collection method: clinical testing. Allele origin: germline.
Comment: The p.I360M variant (also known as c.1080C>G), located in coding exon 8 of the STK11 gene, results from a C to G substitution at nucleotide position 1080. The isoleucine at codon 360 is replaced by methionine, an amino acid with highly similar properties. This amino acid position is well conserved in available vertebrate species. In addition, this alteration is predicted to be tolerated by in silico analysis. Since supporting evidence is limited at this time, the clinical significance of this alteration remains unclear.

NM_000455.5(STK11):c.1080C>G (p.Ile360Met)

Genes: STK11 (serine/threonine kinase 11; plus strand), LOC130062899 (ATAC-STARR-seq lymphoblastoid active region 13597; plus strand). Cytogenetic location: 19p13.3.
Variant type: single nucleotide variant.
Coding change: c.1080C>G on transcript NM_000455.5 (MANE Select); coding-DNA position 1080, C replaced by G.
Protein change: p.Ile360Met; replaces isoleucine 360 with methionine.
Molecular consequence: missense variant.
Genome position (GRCh38, 1-based): chr19:1,223,144, C>G. VCF-style: chr19-1223144-C-G. GRCh37 (hg19) VCF-style: chr19-1223143-C-G.
Other names: c.1080C>G, p.Ile360Met (NM_001407255.1); short protein forms I360M.
Identifiers: ClinVar variation 1786272 (VCV001786272.2), dbSNP rs2145431392, ClinGen allele CA402951905.